The following is an entry in ClinVar:

ClinVar aggregate classification (germline): Uncertain significance. Review status: criteria provided, multiple submitters, no conflicts (2 of 4 stars). 4 submissions from 4 submitters: Uncertain significance (4). Last evaluated 2025-07-28.

Conditions:
Inborn genetic diseases. Identifiers: MedGen C0950123, MeSH D030342.

Allele frequency attached by ClinVar (database versions not stated): TOPMed below 0.00001.
gnomAD v4.1: 16 of 1,614,134 alleles (0.00099%); highest among the groups gnomAD compares: Non-Finnish European, 0.0014%; 1 homozygote.

Submissions (4):

Labcorp Genetics (formerly Invitae), Labcorp
Classification: Uncertain significance. Last evaluated: 2025-07-28. Review status: criteria provided, single submitter. Criteria: Invitae Variant Classification Sherloc (09022015). Collection method: clinical testing. Allele origin: germline.
Comment: This sequence change replaces methionine, which is neutral and non-polar, with arginine, which is basic and polar, at codon 634 of the SCN3A protein (p.Met634Arg). This variant is present in population databases (rs202068163, gnomAD 0.0009%). This variant has not been reported in the literature in individuals affected with SCN3A-related conditions. ClinVar contains an entry for this variant (Variation ID: 1013416). Invitae Evidence Modeling of protein sequence and biophysical properties (such as structural, functional, and spatial information, amino acid conservation, physicochemical variation, residue mobility, and thermodynamic stability) indicates that this missense variant is not expected to disrupt SCN3A protein function with a negative predictive value of 95%. In summary, the available evidence is currently insufficient to determine the role of this variant in disease. Therefore, it has been classified as a Variant of Uncertain Significance.

Ambry Genetics
Classification: Uncertain significance for Inborn genetic diseases. Last evaluated: 2025-04-13. Review status: criteria provided, single submitter. Criteria: Ambry Variant Classification Scheme 2023. Collection method: clinical testing. Allele origin: germline.

Blueprint Genetics
Classification: Uncertain significance. Last evaluated: 2024-07-04. Review status: criteria provided, single submitter. Criteria: ACMG Guidelines, 2015. Collection method: clinical testing. Allele origin: germline.

CeGaT Center for Human Genetics Tuebingen
Classification: Uncertain significance. Last evaluated: 2020-09-01. Review status: criteria provided, single submitter. Criteria: CeGaT Center For Human Genetics Tuebingen Variant Classification Criteria Version 2. Collection method: clinical testing. Allele origin: germline. Affected: yes. Observed: 1 variant allele.

NM_006922.4(SCN3A):c.1901T>G (p.Met634Arg)

Gene: SCN3A (sodium voltage-gated channel alpha subunit 3; minus strand). Cytogenetic location: 2q24.3.
Variant type: single nucleotide variant.
Coding change: c.1901T>G on transcript NM_006922.4 (MANE Select); coding-DNA position 1901, T replaced by G.
Protein change: p.Met634Arg; replaces methionine 634 with arginine.
Molecular consequence: missense variant. On other transcripts: intron variant (2).
Genome position (GRCh38, 1-based): chr2:165,140,769, A>C on the plus strand (T>G on the coding strand, the complement: SCN3A is on the minus strand). VCF-style: chr2-165140769-A-C. GRCh37 (hg19) VCF-style: chr2-165997279-A-C.
Other names: c.1872+29T>G (NM_001081676.2, NM_001081677.2); c.1901T>G (NM_006922.3); short protein forms M634R.
Identifiers: ClinVar variation 1013416 (VCV001013416.43), dbSNP rs202068163, ClinGen allele CA1939066.
Genomic context (GRCh38, chr2:165,140,769, plus strand): 5'-ACCACACCATTGCAATCCACAGTGCTGTGCATCTTCCCATTTGCTGGAAGCCCTGGCACC[A>C]TCCTGGATGACATACTGGCCTGACTAACGTTACTGTTGCGTCGCTCTCCATGTCTGTGCG-3'
Protein context (NP_008853.3, residues 624-644): NVSQASMSSR[Met634Arg]VPGLPANGKM